The following is an entry in ClinVar:

NM_014844.5(TECPR2):c.2094G>A (p.Trp698Ter)

Gene: TECPR2 (tectonin beta-propeller repeat containing 2; plus strand). Cytogenetic location: 14q32.31.
Variant type: single nucleotide variant.
Coding change: c.2094G>A on transcript NM_014844.5 (MANE Select); coding-DNA position 2094, G replaced by A.
Protein change: p.Trp698Ter; replaces tryptophan 698 with a stop codon.
Molecular consequence: nonsense.
Genome position (GRCh38, 1-based): chr14:102,434,911, G>A. VCF-style: chr14-102434911-G-A. GRCh37 (hg19) VCF-style: chr14-102901248-G-A.
Other names: c.2094G>A, p.Trp698Ter (NM_001172631.3); short protein forms W698*.
Identifiers: ClinVar variation 4815741 (VCV004815741.1).

ClinVar aggregate classification (germline): Likely pathogenic (1 of 4 stars; one submission).

Conditions:
Hereditary spastic paraplegia 49 (HSAN9). Also called: TECPR2-Related Hereditary Sensory and Autonomic Neuropathy with Intellectual Disability; Spastic paraplegia 49, autosomal recessive; NEUROPATHY, HEREDITARY SENSORY AND AUTONOMIC, TYPE IX, WITH DEVELOPMENTAL DELAY. Identifiers: Orphanet 320385, MedGen C5190860, MONDO:0014016, OMIM 615031.

gnomAD v4.1: 1 of 1,613,742 alleles (0.000062%); highest among the groups gnomAD compares: Non-Finnish European, 0.000085%; no homozygotes.

Submission:

Natera, Inc.
Classification: Likely pathogenic for Autosomal recessive spastic paraplegia type 49. Last evaluated: 2024-12-08. Review status: criteria provided, single submitter. Criteria: Natera Variant Classification Schema (03/2026). Collection method: clinical testing. Allele origin: germline.
Comment: The c.2094G>A variant in TECPR2 is a nonsense variant predicted to introduce a stop codon at amino acid 698. This variant is expected to result in nonsense mediated decay, truncation, or a dysfunctional protein product. This variant is rare in the general population with a frequency below the threshold expected for the associated phenotype(s). Given the available evidence, this variant is classified as Likely Pathogenic.